The following is an entry in ClinVar:

NM_002528.7(NTHL1):c.49C>T (p.Pro17Ser)

Gene: NTHL1 (nth like DNA glycosylase 1; minus strand). Cytogenetic location: 16p13.3.
Variant type: single nucleotide variant.
Coding change: c.49C>T on transcript NM_002528.7 (MANE Select); coding-DNA position 49, C replaced by T.
Protein change: p.Pro17Ser; replaces proline 17 with serine.
Molecular consequence: missense variant. On other transcripts: 5 prime UTR variant (1).
Genome position (GRCh38, 1-based): chr16:2,047,775, G>A on the plus strand (C>T on the coding strand, the complement: NTHL1 is on the minus strand). VCF-style: chr16-2047775-G-A. GRCh37 (hg19) VCF-style: chr16-2097776-G-A.
Other names: c.49C>T, p.Pro17Ser (NM_001318193.2); c.-130C>T (NM_001318194.2); c.73C>T (NM_002528.5); short protein forms P17S.
Identifiers: ClinVar variation 2829575 (VCV002829575.4), dbSNP rs1173561620, ClinGen allele CA394298502.

ClinVar aggregate classification (germline): Uncertain significance. Review status: criteria provided, multiple submitters, no conflicts (2 of 4 stars). 2 submissions from 2 submitters: Uncertain significance (2). Last evaluated 2026-04-22.

Conditions:
Hereditary cancer-predisposing syndrome. Also called: Hereditary neoplastic syndrome; Neoplastic Syndromes, Hereditary; Tumor predisposition; Hereditary Cancer Syndrome. Identifiers: Orphanet 140162, MedGen C0027672, MeSH D009386, MONDO:0015356.

Allele frequency attached by ClinVar (database versions not stated): TOPMed below 0.00001; gnomAD 0.00001.
gnomAD v4.1: 4 of 1,588,550 alleles (0.00025%); highest among the groups gnomAD compares: South Asian, 0.0023%; no homozygotes.

Submissions (2):

Ambry Genetics
Classification: Uncertain significance for Hereditary cancer-predisposing syndrome. Last evaluated: 2026-04-22. Review status: criteria provided, single submitter. Criteria: Ambry Variant Classification Scheme 2023. Collection method: clinical testing. Allele origin: germline.
Comment: The p.P25S variant (also known as c.73C>T), located in coding exon 1 of the NTHL1 gene, results from a C to T substitution at nucleotide position 73. The proline at codon 25 is replaced by serine, an amino acid with similar properties. This amino acid position is conserved. In addition, this alteration is predicted to be tolerated by in silico analysis. Based on the available evidence, the clinical significance of this variant remains unclear.

Labcorp Genetics (formerly Invitae), Labcorp
Classification: Uncertain significance. Last evaluated: 2024-01-22. Review status: criteria provided, single submitter. Criteria: Invitae Variant Classification Sherloc (09022015). Collection method: clinical testing. Allele origin: germline.
Comment: This sequence change replaces proline, which is neutral and non-polar, with serine, which is neutral and polar, at codon 25 of the NTHL1 protein (p.Pro25Ser). This variant is not present in population databases (gnomAD no frequency). This variant has not been reported in the literature in individuals affected with NTHL1-related conditions. Algorithms developed to predict the effect of missense changes on protein structure and function output the following: SIFT: "Not Available"; PolyPhen-2: "Benign"; Align-GVGD: "Not Available". The serine amino acid residue is found in multiple mammalian species, which suggests that this missense change does not adversely affect protein function. In summary, the available evidence is currently insufficient to determine the role of this variant in disease. Therefore, it has been classified as a Variant of Uncertain Significance.